The following is an entry in ClinVar:

ClinVar aggregate classification (germline): Uncertain significance (1 of 4 stars; one submission).

Conditions:
Inborn genetic diseases. Identifiers: MedGen C0950123, MeSH D030342.

Allele frequency attached by ClinVar (database versions not stated): gnomAD exomes below 0.00001.
gnomAD v4.1: 1 of 1,611,224 alleles (0.000062%); highest among the groups gnomAD compares: South Asian, 0.0011%; no homozygotes.

Submission:

Ambry Genetics
Classification: Uncertain significance for Inborn genetic diseases. Last evaluated: 2022-03-22. Review status: criteria provided, single submitter. Criteria: Ambry Variant Classification Scheme 2023. Collection method: clinical testing. Allele origin: germline.
Comment: The c.2392T>C (p.Y798H) alteration is located in exon 15 (coding exon 15) of the ANKRD17 gene. This alteration results from a T to C substitution at nucleotide position 2392, causing the tyrosine (Y) at amino acid position 798 to be replaced by a histidine (H). This variant was not reported in population-based cohorts in the Genome Aggregation Database (gnomAD). This amino acid position is not well conserved in available vertebrate species. This alteration is predicted to be tolerated by in silico analysis. Based on insufficient or conflicting evidence, the clinical significance of this alteration remains unclear.

NM_032217.5(ANKRD17):c.2392T>C (p.Tyr798His)

Gene: ANKRD17 (ankyrin repeat domain 17; minus strand). Cytogenetic location: 4q13.3.
Variant type: single nucleotide variant.
Coding change: c.2392T>C on transcript NM_032217.5 (MANE Select); coding-DNA position 2392, T replaced by C.
Protein change: p.Tyr798His; replaces tyrosine 798 with histidine.
Molecular consequence: missense variant. On other transcripts: intron variant (1).
Genome position (GRCh38, 1-based): chr4:73,140,224, A>G on the plus strand (T>C on the coding strand, the complement: ANKRD17 is on the minus strand). VCF-style: chr4-73140224-A-G. GRCh37 (hg19) VCF-style: chr4-74005941-A-G.
Other names: c.2053T>C, p.Tyr685His (NM_001286771.3); c.2392T>C, p.Tyr798His (NM_015574.2); c.2332+1517T>C (NM_198889.3); short protein forms Y798H, Y685H.
Identifiers: ClinVar variation 2210933 (VCV002210933.2), dbSNP rs2530976190, ClinGen allele CA357223022.